The following is an entry in ClinVar:

ClinVar aggregate classification (germline): Uncertain significance (1 of 4 stars; one submission).

Conditions:
Early-infantile DEE. Also called: Early infantile epileptic encephalopathy with suppression bursts; Ohtahara syndrome; Early infantile epileptic encephalopathy. Identifiers: Orphanet 1934, MedGen C0393706, MONDO:0800491.

Allele frequency attached by ClinVar (database versions not stated): gnomAD exomes below 0.00001.

Submission:

Labcorp Genetics (formerly Invitae), Labcorp
Classification: Uncertain significance for Early-infantile DEE. Last evaluated: 2022-08-21. Review status: criteria provided, single submitter. Criteria: Invitae Variant Classification Sherloc (09022015). Collection method: clinical testing. Allele origin: germline.
Comment: In summary, the available evidence is currently insufficient to determine the role of this variant in disease. Therefore, it has been classified as a Variant of Uncertain Significance. Experimental studies have shown that this missense change affects GNAO1 function (PMID: 32898863). Advanced modeling of protein sequence and biophysical properties (such as structural, functional, and spatial information, amino acid conservation, physicochemical variation, residue mobility, and thermodynamic stability) performed at Invitae indicates that this missense variant is expected to disrupt GNAO1 protein function. This variant has not been reported in the literature in individuals affected with GNAO1-related conditions. This variant is not present in population databases (gnomAD no frequency). This sequence change replaces arginine, which is basic and polar, with cysteine, which is neutral and slightly polar, at codon 243 of the GNAO1 protein (p.Arg243Cys).

Literature cited by the submitters: PubMed 32898863.

NM_020988.3(GNAO1):c.727C>T (p.Arg243Cys)

Gene: GNAO1 (G protein subunit alpha o1; plus strand). Cytogenetic location: 16q13.
Variant type: single nucleotide variant.
Coding change: c.727C>T on transcript NM_020988.3 (MANE Select); coding-DNA position 727, C replaced by T.
Protein change: p.Arg243Cys; replaces arginine 243 with cysteine.
Molecular consequence: missense variant.
Genome position (GRCh38, 1-based): chr16:56,351,387, C>T. VCF-style: chr16-56351387-C-T. GRCh37 (hg19) VCF-style: chr16-56385299-C-T.
Other names: short protein forms R243C.
Identifiers: ClinVar variation 2078009 (VCV002078009.4), dbSNP rs2543427154, ClinGen allele CA395954574.